The following is an entry in ClinVar:

NM_021614.4(KCNN2):c.1779+3_1779+6del

Genes: KCNN2-AS1 (KCNN2 antisense RNA 1; minus strand), KCNN2 (potassium calcium-activated channel subfamily N member 2; plus strand). Cytogenetic location: 5q22.3.
Variant type: Deletion.
Coding change: c.1779+3_1779+6del on transcript NM_021614.4 (MANE Select); bases 3 to 6 of the intron after coding-DNA position 1779, 4 bases deleted (AAGT; older notation c.1779+3_1779+6delAAGT).
Molecular consequence: splice donor variant.
Genome position (GRCh38, 1-based): chr5:114,463,193-114,463,196, AAGT deleted; deleting any 4 consecutive bases within chr5:114,463,191-114,463,196 gives the same sequence; the c. name uses the placement nearest the transcript's 3' end. VCF-style (leftmost placement, unchanged base first): chr5-114463190-GGTAA-G. GRCh37 (hg19) VCF-style: chr5-113798887-GGTAA-G.
Other names: c.1977+3_1977+6del (NM_001372233.1); c.99+3_99+6del (NM_170775.3).
Identifiers: ClinVar variation 4890736 (VCV004890736.1).

ClinVar aggregate classification (germline): Uncertain significance (1 of 4 stars; one submission).

Conditions:
Neurodevelopmental disorder with or without variable movement or behavioral abnormalities (NEDMAB). Identifiers: MedGen C5676908, MONDO:0859225, OMIM 619725.

Submission:

Institute of Human Genetics, University of Leipzig Medical Center
Classification: Uncertain significance for Neurodevelopmental disorder with or without variable movement or behavioral abnormalities. Last evaluated: 2026-08-12. Review status: criteria provided, single submitter. Criteria: ACMG Guidelines, 2015. Collection method: clinical testing. Allele origin: unknown. Inheritance: Autosomal dominant inheritance. Affected: yes.
Comment: Criteria applied: PM2,PP3